The following is an entry in ClinVar:

NM_001042492.3(NF1):c.2274A>T (p.Arg758Ser)

Gene: NF1 (neurofibromin 1; plus strand). Cytogenetic location: 17q11.2.
Variant type: single nucleotide variant.
Coding change: c.2274A>T on transcript NM_001042492.3 (MANE Select); coding-DNA position 2274, A replaced by T.
Protein change: p.Arg758Ser; replaces arginine 758 with serine.
Molecular consequence: missense variant.
Genome position (GRCh38, 1-based): chr17:31,227,240, A>T. VCF-style: chr17-31227240-A-T. GRCh37 (hg19) VCF-style: chr17-29554258-A-T.
Other names: c.2274A>T, p.Arg758Ser (NM_000267.4); short protein forms R758S.
Identifiers: ClinVar variation 656909 (VCV000656909.5), dbSNP rs1597713310, ClinGen allele CA398982749.

ClinVar aggregate classification (germline): Uncertain significance (1 of 4 stars; one submission).

Conditions:
Neurofibromatosis, type 1 (NF1). Also called: VON RECKLINGHAUSEN DISEASE; NEUROFIBROMATOSIS, TYPE I, SOMATIC; Peripheral type neurofibromatosis; Neurofibromatosis, type I. Identifiers: Orphanet 636, MedGen C0027831, MONDO:0018975, OMIM 162200. Disease mechanism: loss of function.

Submission:

Labcorp Genetics (formerly Invitae), Labcorp
Classification: Uncertain significance for Neurofibromatosis, type 1. Last evaluated: 2018-11-07. Review status: criteria provided, single submitter. Criteria: Invitae Variant Classification Sherloc (09022015). Collection method: clinical testing. Allele origin: germline.
Comment: This variant is not present in population databases (ExAC no frequency). This sequence change replaces arginine with serine at codon 758 of the NF1 protein (p.Arg758Ser). The arginine residue is moderately conserved and there is a moderate physicochemical difference between arginine and serine. This variant has not been reported in the literature in individuals with NF1-related disease. Algorithms developed to predict the effect of missense changes on protein structure and function are either unavailable or do not agree on the potential impact of this missense change (SIFT: "Deleterious"; PolyPhen-2: "Probably Damaging"; Align-GVGD: "Class C0"). In summary, the available evidence is currently insufficient to determine the role of this variant in disease. Therefore, it has been classified as a Variant of Uncertain Significance.